The following is an entry in ClinVar:

NM_000053.4(ATP7B):c.4003G>A (p.Gly1335Arg)

Gene: ATP7B (ATPase copper transporting beta; minus strand). Cytogenetic location: 13q14.3.
Variant type: single nucleotide variant.
Coding change: c.4003G>A on transcript NM_000053.4 (MANE Select); coding-DNA position 4003, G replaced by A.
Protein change: p.Gly1335Arg; replaces glycine 1335 with arginine.
Molecular consequence: missense variant.
Genome position (GRCh38, 1-based): chr13:51,937,294, C>T on the plus strand (G>A on the coding strand, the complement: ATP7B is on the minus strand). VCF-style: chr13-51937294-C-T. GRCh37 (hg19) VCF-style: chr13-52511430-C-T.
Other names: c.3382G>A, p.Gly1128Arg (NM_001005918.3); c.3670G>A, p.Gly1224Arg (NM_001243182.2); c.3769G>A, p.Gly1257Arg (NM_001330578.2, NM_001406527.1, NM_001406528.1); c.3751G>A, p.Gly1251Arg (NM_001330579.2, NM_001406531.1, NM_001406532.1); c.4003G>A, p.Gly1335Arg (NM_001406511.1, NM_001406512.1); c.3997G>A, p.Gly1333Arg (NM_001406513.1); c.3970G>A, p.Gly1324Arg (NM_001406514.1); c.3949G>A, p.Gly1317Arg (NM_001406515.1, NM_001406516.1); and 21 more; short protein forms G1054R, G1108R, G1119R, G1128R, G1141R, G1171R, G1173R, G1186R.
Identifiers: ClinVar variation 3038501 (VCV003038501.2), dbSNP rs2547563939, ClinGen allele CA388020829.

ClinVar aggregate classification (germline): Uncertain significance (0 of 4 stars; one submission).

Conditions:
ATP7B-related disorder. Also called: ATP7B-related condition.

Submission:

PreventionGenetics, part of Exact Sciences
Classification: Uncertain significance for ATP7B-related condition. Last evaluated: 2024-02-20. Review status: no assertion criteria provided. Collection method: clinical testing. Allele origin: germline.
Comment: The ATP7B c.4003G>A variant is predicted to result in the amino acid substitution p.Gly1335Arg. To our knowledge, this variant has not been reported in the literature or in a large population database, indicating this variant is rare. However, a c.4003G>C variant that also results in a p.Gly1335Arg substitution has been reported in an at least two individuals with Wilson disease (Li et al. 2011. PubMed ID: 21219664, Table 1; Chen. 2019. PubMed ID: 30655162 Supp. Figure 2). Although we suspect that this variant may be pathogenic, at this time, the clinical significance of this variant is uncertain due to the absence of conclusive functional and genetic evidence.